The following is an entry in ClinVar:

NM_001010874.5(TECRL):c.43G>A (p.Ala15Thr)

Gene: TECRL (trans-2,3-enoyl-CoA reductase like; minus strand). Cytogenetic location: 4q13.1.
Variant type: single nucleotide variant.
Coding change: c.43G>A on transcript NM_001010874.5 (MANE Select); coding-DNA position 43, G replaced by A.
Protein change: p.Ala15Thr; replaces alanine 15 with threonine.
Molecular consequence: missense variant.
Genome position (GRCh38, 1-based): chr4:64,409,309, C>T on the plus strand (G>A on the coding strand, the complement: TECRL is on the minus strand). VCF-style: chr4-64409309-C-T. GRCh37 (hg19) VCF-style: chr4-65275027-C-T.
Other names: c.43G>A, p.Ala15Thr (NM_001363796.1); short protein forms A15T.
Identifiers: ClinVar variation 1740315 (VCV001740315.5), dbSNP rs981827180, ClinGen allele CA98684199.

ClinVar aggregate classification (germline): Uncertain significance. Review status: criteria provided, multiple submitters, no conflicts (2 of 4 stars). 2 submissions from 2 submitters: Uncertain significance (2). Last evaluated 2025-07-28.

Conditions:
Cardiovascular phenotype. Identifiers: MedGen CN230736.

Allele frequency attached by ClinVar (database versions not stated): gnomAD exomes below 0.00001; TOPMed below 0.00001; gnomAD 0.00001.
gnomAD v4.1: 6 of 1,613,666 alleles (0.00037%); highest among the groups gnomAD compares: Middle Eastern, 0.033%; no homozygotes.

Submissions (2):

Ambry Genetics
Classification: Uncertain significance for Cardiovascular phenotype. Last evaluated: 2025-07-28. Review status: criteria provided, single submitter. Criteria: Ambry Variant Classification Scheme 2023. Collection method: clinical testing. Allele origin: germline.
Comment: The p.A15T variant (also known as c.43G>A), located in coding exon 1 of the TECRL gene, results from a G to A substitution at nucleotide position 43. The alanine at codon 15 is replaced by threonine, an amino acid with similar properties. This amino acid position is poorly conserved in available vertebrate species. In addition, this alteration is predicted to be tolerated by in silico analysis. Since supporting evidence is limited at this time, the clinical significance of this alteration remains unclear.

Women's Health and Genetics/Laboratory Corporation of America, LabCorp
Classification: Uncertain significance. Last evaluated: 2024-07-22. Review status: criteria provided, single submitter. Criteria: LabCorp Variant Classification Summary - May 2015. Collection method: clinical testing. Allele origin: germline.
Comment: Variant summary: TECRL c.43G>A (p.Ala15Thr) results in a non-conservative amino acid change in the encoded protein sequence. Four of five in-silico tools predict a benign effect of the variant on protein function. The variant was absent in 251270 control chromosomes. The available data on variant occurrences in the general population are insufficient to allow any conclusion about variant significance. To our knowledge, no occurrence of c.43G>A in individuals affected with Catecholaminergic Polymorphic Ventricular Tachycardia and no experimental evidence demonstrating its impact on protein function have been reported. ClinVar contains an entry for this variant (Variation ID: 1740315). Based on the evidence outlined above, the variant was classified as uncertain significance.